The following is an entry in ClinVar:

NM_001020658.2(PUM1):c.3550C>A (p.Pro1184Thr)

Gene: PUM1 (pumilio RNA binding family member 1; minus strand). Cytogenetic location: 1p35.2.
Variant type: single nucleotide variant.
Coding change: c.3550C>A on transcript NM_001020658.2 (MANE Select); coding-DNA position 3550, C replaced by A.
Protein change: p.Pro1184Thr; replaces proline 1184 with threonine.
Molecular consequence: missense variant.
Genome position (GRCh38, 1-based): chr1:30,933,228, G>T on the plus strand (C>A on the coding strand, the complement: PUM1 is on the minus strand). VCF-style: chr1-30933228-G-T. GRCh37 (hg19) VCF-style: chr1-31406075-G-T.
Other names: c.3544C>A, p.Pro1182Thr (NM_014676.3); short protein forms P1182T, P1184T.
Identifiers: ClinVar variation 1306756 (VCV001306756.3), dbSNP rs527315794, ClinGen allele CA339559428.

ClinVar aggregate classification (germline): Uncertain significance (1 of 4 stars; one submission).

Submission:

GeneDx
Classification: Uncertain significance. Last evaluated: 2025-02-25. Review status: criteria provided, single submitter. Criteria: GeneDx Variant Classification Process June 2021. Collection method: clinical testing. Allele origin: germline. Affected: yes.
Comment: Not observed at significant frequency in large population cohorts (gnomAD); In silico analysis supports that this missense variant has a deleterious effect on protein structure/function; Has not been previously published as pathogenic or benign to our knowledge